The following is an entry in ClinVar:

ClinVar aggregate classification (germline): Uncertain significance. Review status: criteria provided, multiple submitters, no conflicts (2 of 4 stars). 2 submissions from 2 submitters: Uncertain significance (2). Last evaluated 2025-01-29.

Allele frequency attached by ClinVar (database versions not stated): gnomAD exomes below 0.00001; gnomAD 0.00001.
gnomAD v4.1: 3 of 1,613,710 alleles (0.00019%); highest among the groups gnomAD compares: African/African-American, 0.0013%; no homozygotes.

Submissions (2):

Ambry Genetics
Classification: Uncertain significance. Last evaluated: 2025-01-29. Review status: criteria provided, single submitter. Criteria: Ambry Variant Classification Scheme 2023. Collection method: clinical testing. Allele origin: germline.

Labcorp Genetics (formerly Invitae), Labcorp
Classification: Uncertain significance. Last evaluated: 2023-11-28. Review status: criteria provided, single submitter. Criteria: Invitae Variant Classification Sherloc (09022015). Collection method: clinical testing. Allele origin: germline.
Comment: This sequence change replaces glycine, which is neutral and non-polar, with glutamic acid, which is acidic and polar, at codon 105 of the CREB3L3 protein (p.Gly105Glu). This variant is not present in population databases (gnomAD no frequency). This variant has not been reported in the literature in individuals affected with CREB3L3-related conditions. ClinVar contains an entry for this variant (Variation ID: 2107026). Advanced modeling of protein sequence and biophysical properties (such as structural, functional, and spatial information, amino acid conservation, physicochemical variation, residue mobility, and thermodynamic stability) performed at Invitae indicates that this missense variant is not expected to disrupt CREB3L3 protein function with a negative predictive value of 80%. In summary, the available evidence is currently insufficient to determine the role of this variant in disease. Therefore, it has been classified as a Variant of Uncertain Significance.

NM_032607.3(CREB3L3):c.314G>A (p.Gly105Glu)

Gene: CREB3L3 (cAMP responsive element binding protein 3 like 3; plus strand). Cytogenetic location: 19p13.3.
Variant type: single nucleotide variant.
Coding change: c.314G>A on transcript NM_032607.3 (MANE Select); coding-DNA position 314, G replaced by A.
Protein change: p.Gly105Glu; replaces glycine 105 with glutamic acid.
Molecular consequence: missense variant.
Genome position (GRCh38, 1-based): chr19:4,157,152, G>A. VCF-style: chr19-4157152-G-A. GRCh37 (hg19) VCF-style: chr19-4157149-G-A.
Other names: c.311G>A, p.Gly104Glu (NM_001271995.2); c.314G>A, p.Gly105Glu (NM_001271996.2, NM_001271997.2); c.314G>A (NM_032607.1); short protein forms G104E, G105E.
Identifiers: ClinVar variation 2107026 (VCV002107026.5), dbSNP rs2041593465, ClinGen allele CA403401732.